The following is an entry in ClinVar:

ClinVar aggregate classification (germline): Uncertain significance (1 of 4 stars; one submission).

gnomAD v4.1: 1 of 1,613,882 alleles (0.000062%); highest among the groups gnomAD compares: Non-Finnish European, 0.000085%; no homozygotes.

Submission:

GeneDx
Classification: Uncertain significance. Last evaluated: 2024-01-23. Review status: criteria provided, single submitter. Criteria: GeneDx Variant Classification Process June 2021. Collection method: clinical testing. Allele origin: germline. Affected: yes.
Comment: Not observed at significant frequency in large population cohorts (gnomAD); In silico analysis supports that this missense variant has a deleterious effect on protein structure/function; Has not been previously published as pathogenic or benign to our knowledge

NM_001037333.3(CYFIP2):c.2504A>G (p.Tyr835Cys)

Gene: CYFIP2 (cytoplasmic FMR1 interacting protein 2; plus strand). Cytogenetic location: 5q33.3.
Variant type: single nucleotide variant.
Coding change: c.2504A>G on transcript NM_001037333.3 (MANE Select); coding-DNA position 2504, A replaced by G.
Protein change: p.Tyr835Cys; replaces tyrosine 835 with cysteine.
Molecular consequence: missense variant.
Genome position (GRCh38, 1-based): chr5:157,339,175, A>G. VCF-style: chr5-157339175-A-G. GRCh37 (hg19) VCF-style: chr5-156766183-A-G.
Other names: c.2426A>G, p.Tyr809Cys (NM_001291721.2); c.2579A>G, p.Tyr860Cys (NM_001291722.2); c.2504A>G, p.Tyr835Cys (NM_014376.4); short protein forms Y809C, Y835C, Y860C.
Identifiers: ClinVar variation 3368311 (VCV003368311.1).